The following is an entry in ClinVar:

ClinVar aggregate classification (germline): Uncertain significance. Review status: criteria provided, multiple submitters, no conflicts (2 of 4 stars). 2 submissions from 2 submitters: Uncertain significance (2). Last evaluated 2025-02-24.

Allele frequency attached by ClinVar (database versions not stated): gnomAD 0.00001; TOPMed 0.00001; ExAC 0.00002.

Submissions (2):

Labcorp Genetics (formerly Invitae), Labcorp
Classification: Uncertain significance. Last evaluated: 2025-02-24. Review status: criteria provided, single submitter. Criteria: Invitae Variant Classification Sherloc (09022015). Collection method: clinical testing. Allele origin: germline.
Comment: This sequence change replaces serine, which is neutral and polar, with leucine, which is neutral and non-polar, at codon 417 of the GLYCTK protein (p.Ser417Leu). This variant is present in population databases (rs754436038, gnomAD 0.005%). This variant has not been reported in the literature in individuals affected with GLYCTK-related conditions. ClinVar contains an entry for this variant (Variation ID: 2415647). Invitae Evidence Modeling of protein sequence and biophysical properties (such as structural, functional, and spatial information, amino acid conservation, physicochemical variation, residue mobility, and thermodynamic stability) indicates that this missense variant is not expected to disrupt GLYCTK protein function with a negative predictive value of 80%. In summary, the available evidence is currently insufficient to determine the role of this variant in disease. Therefore, it has been classified as a Variant of Uncertain Significance.

GeneDx
Classification: Uncertain significance. Last evaluated: 2024-07-18. Review status: criteria provided, single submitter. Criteria: GeneDx Variant Classification Process June 2021. Collection method: clinical testing. Allele origin: germline. Affected: yes.
Comment: In silico analysis supports that this missense variant has a deleterious effect on protein structure/function; Has not been previously published as pathogenic or benign to our knowledge

NM_145262.4(GLYCTK):c.1250C>T (p.Ser417Leu)

Gene: GLYCTK (glycerate kinase; plus strand). Cytogenetic location: 3p21.2.
Variant type: single nucleotide variant.
Coding change: c.1250C>T on transcript NM_145262.4 (MANE Select); coding-DNA position 1250, C replaced by T.
Protein change: p.Ser417Leu; replaces serine 417 with leucine.
Molecular consequence: missense variant. On other transcripts: 3 prime UTR variant (1), non-coding transcript variant (2).
Genome position (GRCh38, 1-based): chr3:52,292,804, C>T. VCF-style: chr3-52292804-C-T. GRCh37 (hg19) VCF-style: chr3-52326820-C-T.
Other names: c.*369C>T (NM_001144951.2); c.1250C>T (NM_145262.3); short protein forms S417L.
Identifiers: ClinVar variation 2415647 (VCV002415647.7), dbSNP rs754436038, ClinGen allele CA2432277.